The following is an entry in ClinVar:

NM_004990.4(MARS1):c.2224A>G (p.Thr742Ala)

Gene: MARS1 (methionyl-tRNA synthetase 1; plus strand). Cytogenetic location: 12q13.3.
Variant type: single nucleotide variant.
Coding change: c.2224A>G on transcript NM_004990.4 (MANE Select); coding-DNA position 2224, A replaced by G.
Protein change: p.Thr742Ala; replaces threonine 742 with alanine.
Molecular consequence: missense variant.
Genome position (GRCh38, 1-based): chr12:57,515,169, A>G. VCF-style: chr12-57515169-A-G. GRCh37 (hg19) VCF-style: chr12-57908952-A-G.
Other names: short protein forms T742A.
Identifiers: ClinVar variation 1681779 (VCV001681779.8), dbSNP rs2140037579, ClinGen allele CA385465981.

ClinVar aggregate classification (germline): Uncertain significance (1 of 4 stars; one submission).

Conditions:
Charcot-Marie-Tooth disease axonal type 2U. Also called: CHARCOT-MARIE-TOOTH NEUROPATHY, TYPE 2U; CHARCOT-MARIE-TOOTH DISEASE, AXONAL, AUTOSOMAL DOMINANT, TYPE 2U. Identifiers: Orphanet 397735, MedGen C4084821, MONDO:0014566, OMIM 616280.
Severe early-onset pulmonary alveolar proteinosis due to MARS deficiency. Also called: PULMONARY ALVEOLAR PROTEINOSIS, REUNION ISLAND; Interstitial lung and liver disease. Identifiers: Orphanet 440427, MedGen C4225400, MONDO:0014206, OMIM 615486.

Submission:

Labcorp Genetics (formerly Invitae), Labcorp
Classification: Uncertain significance for Charcot-Marie-Tooth disease axonal type 2U; Severe early-onset pulmonary alveolar proteinosis due to MARS deficiency. Last evaluated: 2025-02-05. Review status: criteria provided, single submitter. Criteria: Invitae Variant Classification Sherloc (09022015). Collection method: clinical testing. Allele origin: germline.
Comment: This sequence change replaces threonine, which is neutral and polar, with alanine, which is neutral and non-polar, at codon 742 of the MARS protein (p.Thr742Ala). This variant is not present in population databases (gnomAD no frequency). This variant has not been reported in the literature in individuals affected with MARS-related conditions. ClinVar contains an entry for this variant (Variation ID: 1681779). An algorithm developed to predict the effect of missense changes on protein structure and function (PolyPhen-2) suggests that this variant is likely to be tolerated. In summary, the available evidence is currently insufficient to determine the role of this variant in disease. Therefore, it has been classified as a Variant of Uncertain Significance.